The following is an entry in ClinVar:

ClinVar aggregate classification (germline): Uncertain significance (1 of 4 stars; one submission).

Conditions:
LAMA2-related muscular dystrophy (LAMA2-RD). Also called: Laminin alpha 2-related dystrophy. Identifiers: MedGen C5679788, MONDO:0100228.

gnomAD v4.1: 1 of 1,591,140 alleles (0.000063%); highest among the groups gnomAD compares: Non-Finnish European, 0.000086%; no homozygotes.

Submission:

Labcorp Genetics (formerly Invitae), Labcorp
Classification: Uncertain significance for LAMA2-related muscular dystrophy. Last evaluated: 2025-08-11. Review status: criteria provided, single submitter. Criteria: Invitae Variant Classification Sherloc (09022015). Collection method: clinical testing. Allele origin: germline.
Comment: This sequence change falls in intron 56 of the LAMA2 gene. It does not directly change the encoded amino acid sequence of the LAMA2 protein. This variant is not present in population databases (gnomAD no frequency). This variant has not been reported in the literature in individuals affected with LAMA2-related conditions. Algorithms developed to predict the effect of sequence changes on RNA splicing suggest that this variant may disrupt the consensus splice site. In summary, the available evidence is currently insufficient to determine the role of this variant in disease. Therefore, it has been classified as a Variant of Uncertain Significance.

NM_000426.4(LAMA2):c.7899-12A>G

Gene: LAMA2 (laminin subunit alpha 2; plus strand). Cytogenetic location: 6q22.33.
Variant type: single nucleotide variant.
Coding change: c.7899-12A>G on transcript NM_000426.4 (MANE Select); 12 bases into the intron before coding-DNA position 7899, A replaced by G.
Molecular consequence: intron variant.
Genome position (GRCh38, 1-based): chr6:129,491,889, A>G. VCF-style: chr6-129491889-A-G. GRCh37 (hg19) VCF-style: chr6-129813034-A-G.
Other names: c.7887-12A>G (NM_001079823.2).
Identifiers: ClinVar variation 4749924 (VCV004749924.1).